The following is an entry in ClinVar:

NM_001232.4(CASQ2):c.335G>A (p.Gly112Glu)

Gene: CASQ2 (calsequestrin 2; minus strand). Cytogenetic location: 1p13.1.
Variant type: single nucleotide variant.
Coding change: c.335G>A on transcript NM_001232.4 (MANE Select); coding-DNA position 335, G replaced by A.
Protein change: p.Gly112Glu; replaces glycine 112 with glutamic acid.
Molecular consequence: missense variant.
Genome position (GRCh38, 1-based): chr1:115,740,813, C>T on the plus strand (G>A on the coding strand, the complement: CASQ2 is on the minus strand). VCF-style: chr1-115740813-C-T. GRCh37 (hg19) VCF-style: chr1-116283434-C-T.
Other names: p.Gly112Glu; short protein forms G112E.
Identifiers: ClinVar variation 4541381 (VCV004541381.2).

ClinVar aggregate classification (germline): Uncertain significance. Review status: criteria provided, multiple submitters, no conflicts (2 of 4 stars). 2 submissions from 2 submitters: Uncertain significance (2). Last evaluated 2026-06-01.

Submissions (2):

Women's Health and Genetics/Laboratory Corporation of America, LabCorp
Classification: Uncertain significance. Last evaluated: 2026-06-01. Review status: criteria provided, single submitter. Criteria: LabCorp Variant Classification Summary - May 2015. Collection method: clinical testing. Allele origin: germline.
Comment: Variant summary: CASQ2 c.335G>A (p.Gly112Glu) results in a non-conservative amino acid change in the encoded protein sequence. Algorithms developed to predict the effect of missense changes on protein structure and function are either unavailable or do not agree on the potential impact of this missense change. The variant allele was found at a frequency of 4e-06 in 251176 control chromosomes. The available data on variant occurrences in the general population are insufficient to allow any conclusion about variant significance. To our knowledge, no occurrence of c.335G>A in individuals affected with CASQ2-related conditions and no experimental evidence demonstrating its impact on protein function have been reported. ClinVar contains an entry for this variant (Variation ID: 4541381). Based on the evidence outlined above, the variant was classified as uncertain significance.

Mayo Clinic Laboratories, Mayo Clinic
Classification: Uncertain significance. Last evaluated: 2025-01-31. Review status: criteria provided, single submitter. Criteria: ACMG Guidelines, 2015. Collection method: clinical testing. Allele origin: germline. Observed: 1 variant allele.